The following is an entry in ClinVar:

ClinVar aggregate classification (germline): Likely pathogenic (1 of 4 stars; one submission).

Submission:

GeneDx
Classification: Likely pathogenic. Last evaluated: 2022-08-18. Review status: criteria provided, single submitter. Criteria: GeneDx Variant Classification Process June 2021. Collection method: clinical testing. Allele origin: germline. Affected: yes.
Comment: Not observed at significant frequency in large population cohorts (gnomAD); Missense variants in this gene are often considered pathogenic (HGMD); In silico analysis supports that this missense variant has a deleterious effect on protein structure/function; This substitution is predicted to be within the transmembrane segment S6 of the third homologous domain; Has not been previously published as pathogenic or benign to our knowledge

NM_001040142.2(SCN2A):c.4376T>G (p.Phe1459Cys)

Gene: SCN2A (sodium voltage-gated channel alpha subunit 2; plus strand). Cytogenetic location: 2q24.3.
Variant type: single nucleotide variant.
Coding change: c.4376T>G on transcript NM_001040142.2 (MANE Select); coding-DNA position 4376, T replaced by G.
Protein change: p.Phe1459Cys; replaces phenylalanine 1459 with cysteine.
Molecular consequence: missense variant.
Genome position (GRCh38, 1-based): chr2:165,380,659, T>G. VCF-style: chr2-165380659-T-G. GRCh37 (hg19) VCF-style: chr2-166237169-T-G.
Other names: c.4376T>G, p.Phe1459Cys (NM_001040143.2, NM_001371246.1, NM_001371247.1 and 1 more transcripts); short protein forms F1459C.
Identifiers: ClinVar variation 1702654 (VCV001702654.2), dbSNP rs2105384651, ClinGen allele CA349033943.